The following is an entry in ClinVar:

ClinVar aggregate classification (germline): Likely benign (0 of 4 stars; one submission).

Conditions:
AEBP1-related disorder. Also called: AEBP1-related condition.

Submission:

PreventionGenetics, part of Exact Sciences
Classification: Likely benign for AEBP1-related condition. Last evaluated: 2024-08-14. Review status: no assertion criteria provided. Collection method: clinical testing. Allele origin: germline.
Comment: This variant is classified as likely benign based on ACMG/AMP sequence variant interpretation guidelines (Richards et al. 2015 PMID: 25741868, with internal and published modifications).

NM_001129.5(AEBP1):c.2685G>A (p.Glu895=)

Gene: AEBP1 (AE binding protein 1; plus strand). Cytogenetic location: 7p13.
Variant type: single nucleotide variant.
Coding change: c.2685G>A on transcript NM_001129.5 (MANE Select); coding-DNA position 2685, G replaced by A.
Protein change: p.Glu895=; no amino-acid change (glutamic acid 895 retained).
Molecular consequence: synonymous variant.
Genome position (GRCh38, 1-based): chr7:44,113,106, G>A. VCF-style: chr7-44113106-G-A. GRCh37 (hg19) VCF-style: chr7-44152705-G-A.
Identifiers: ClinVar variation 3346680 (VCV003346680.1).